The following is an entry in ClinVar:

NM_001148.6(ANK2):c.1756C>T (p.Arg586Cys)

Gene: ANK2 (ankyrin 2; plus strand). Cytogenetic location: 4q26.
Variant type: single nucleotide variant.
Coding change: c.1756C>T on transcript NM_001148.6 (MANE Select); coding-DNA position 1756, C replaced by T.
Protein change: p.Arg586Cys; replaces arginine 586 with cysteine.
Molecular consequence: missense variant.
Genome position (GRCh38, 1-based): chr4:113,277,909, C>T. VCF-style: chr4-113277909-C-T. GRCh37 (hg19) VCF-style: chr4-114199065-C-T.
Other names: c.1693C>T, p.Arg565Cys (NM_001127493.3, NM_001354239.2, NM_001354243.2 and 14 more transcripts); c.1756C>T, p.Arg586Cys (NM_001354225.2, NM_001354228.2, NM_001354232.2 and 8 more transcripts); c.1801C>T, p.Arg601Cys (NM_001354230.2, NM_001354231.2, NM_001354237.2 and 5 more transcripts); c.1669C>T, p.Arg557Cys (NM_001354249.2, NM_001354260.2, NM_001354264.2 and 13 more transcripts); c.1714C>T, p.Arg572Cys (NM_001354261.2, NM_001386147.1, NM_001386160.1); c.1546C>T, p.Arg516Cys (NM_001354269.3); c.1558C>T, p.Arg520Cys (NM_001354273.2); c.1471C>T, p.Arg491Cys (NM_001354277.2, NM_001386157.1, NM_001386158.1); and 4 more; short protein forms R491C, R516C, R572C, R586C, R601C, R565C, R520C, R557C.
Identifiers: ClinVar variation 945979 (VCV000945979.7), dbSNP rs777474558, ClinGen allele CA3050363.

ClinVar aggregate classification (germline): Uncertain significance. Review status: criteria provided, multiple submitters, no conflicts (2 of 4 stars). 2 submissions from 2 submitters: Uncertain significance (2). Last evaluated 2021-08-27.

Conditions:
Long QT syndrome (LQTS). Identifiers: MedGen C0023976, MeSH D008133, MONDO:0002442. Disease mechanism: loss of function. Inheritance: Various modes of inheritance.
Cardiac arrhythmia, ankyrin-B-related. Also called: ANKYRIN-B SYNDROME. Identifiers: Orphanet 101016, Orphanet 768, MedGen C1970119, MONDO:0010958, OMIM 600919.

Allele frequency attached by ClinVar (database versions not stated): gnomAD exomes 0.00001; ExAC 0.00002.
gnomAD v4.1: 9 of 1,613,830 alleles (0.00056%); highest among the groups gnomAD compares: African/African-American, 0.0013%; no homozygotes.

Submissions (2):

Fulgent Genetics
Classification: Uncertain significance for Cardiac arrhythmia, ankyrin-B-related. Last evaluated: 2021-08-27. Review status: criteria provided, single submitter. Criteria: ACMG Guidelines, 2015. Collection method: clinical testing. Allele origin: unknown.

Labcorp Genetics (formerly Invitae), Labcorp
Classification: Uncertain significance for Long QT syndrome. Last evaluated: 2020-12-30. Review status: criteria provided, single submitter. Criteria: Invitae Variant Classification Sherloc (09022015). Collection method: clinical testing. Allele origin: germline.
Comment: Algorithms developed to predict the effect of missense changes on protein structure and function are either unavailable or do not agree on the potential impact of this missense change (SIFT: "Deleterious"; PolyPhen-2: "Benign"; Align-GVGD: "Class C0"). In summary, the available evidence is currently insufficient to determine the role of this variant in disease. Therefore, it has been classified as a Variant of Uncertain Significance. This variant has not been reported in the literature in individuals with ANK2-related conditions. This variant is present in population databases (rs777474558, ExAC 0.003%). This sequence change replaces arginine with cysteine at codon 586 of the ANK2 protein (p.Arg586Cys). The arginine residue is moderately conserved and there is a large physicochemical difference between arginine and cysteine.